The following is an entry in ClinVar:

ClinVar aggregate classification (germline): Uncertain significance (1 of 4 stars; one submission).

Allele frequency attached by ClinVar (database versions not stated): gnomAD exomes below 0.00001.

Submission:

GeneDx
Classification: Uncertain significance. Last evaluated: 2022-11-23. Review status: criteria provided, single submitter. Criteria: GeneDx Variant Classification Process June 2021. Collection method: clinical testing. Allele origin: germline. Affected: yes.
Comment: Not observed at significant frequency in large population cohorts (gnomAD); In silico analysis supports that this missense variant has a deleterious effect on protein structure/function; Has not been previously published as pathogenic or benign to our knowledge

NM_002025.4(AFF2):c.164A>G (p.Tyr55Cys)

Gene: AFF2 (ALF transcription elongation factor 2; plus strand). Cytogenetic location: Xq28.
Variant type: single nucleotide variant.
Coding change: c.164A>G on transcript NM_002025.4 (MANE Select); coding-DNA position 164, A replaced by G.
Protein change: p.Tyr55Cys; replaces tyrosine 55 with cysteine.
Molecular consequence: missense variant.
Genome position (GRCh38, 1-based): chrX:148,652,115, A>G. VCF-style: chrX-148652115-A-G. GRCh37 (hg19) VCF-style: chrX-147733636-A-G.
Other names: c.164A>G, p.Tyr55Cys (NM_001169122.2, NM_001169123.2, NM_001169124.2 and 1 more transcripts); short protein forms Y55C.
Identifiers: ClinVar variation 2503183 (VCV002503183.1), dbSNP rs2521360367, ClinGen allele CA414508234.